The following is an entry in ClinVar:

ClinVar aggregate classification (germline): Uncertain significance (1 of 4 stars; one submission).

Allele frequency attached by ClinVar (database versions not stated): gnomAD exomes below 0.00001.
gnomAD v4.1: 1 of 1,212,151 alleles (0.000082%); highest among the groups gnomAD compares: Non-Finnish European, 0.00011%; no homozygotes.

Submission:

GeneDx
Classification: Uncertain significance. Last evaluated: 2023-06-03. Review status: criteria provided, single submitter. Criteria: GeneDx Variant Classification Process June 2021. Collection method: clinical testing. Allele origin: germline. Affected: yes.
Comment: Not observed at significant frequency in large population cohorts (gnomAD); In silico analysis supports that this missense variant does not alter protein structure/function; Has not been previously published as pathogenic or benign to our knowledge

NM_020922.5(WNK3):c.4288G>A (p.Val1430Ile)

Gene: WNK3 (WNK lysine deficient protein kinase 3; minus strand). Cytogenetic location: Xp11.22.
Variant type: single nucleotide variant.
Coding change: c.4288G>A on transcript NM_020922.5 (MANE Select); coding-DNA position 4288, G replaced by A.
Protein change: p.Val1430Ile; replaces valine 1430 with isoleucine.
Molecular consequence: missense variant.
Genome position (GRCh38, 1-based): chrX:54,237,278, C>T on the plus strand (G>A on the coding strand, the complement: WNK3 is on the minus strand). VCF-style: chrX-54237278-C-T. GRCh37 (hg19) VCF-style: chrX-54263711-C-T.
Other names: c.4147G>A, p.Val1383Ile (NM_001002838.4, NM_001395166.1); short protein forms V1383I, V1430I.
Identifiers: ClinVar variation 3253576 (VCV003253576.1), dbSNP rs2520315511.